The following is an entry in ClinVar:

NM_000642.3(AGL):c.3431T>A (p.Ile1144Asn)

Gene: AGL (amylo-alpha-1,6-glucosidase and 4-alpha-glucanotransferase; plus strand). Cytogenetic location: 1p21.2.
Variant type: single nucleotide variant.
Coding change: c.3431T>A on transcript NM_000642.3 (MANE Select); coding-DNA position 3431, T replaced by A.
Protein change: p.Ile1144Asn; replaces isoleucine 1144 with asparagine.
Molecular consequence: missense variant.
Genome position (GRCh38, 1-based): chr1:99,900,704, T>A. VCF-style: chr1-99900704-T-A. GRCh37 (hg19) VCF-style: chr1-100366260-T-A.
Other names: c.3431T>A, p.Ile1144Asn (NM_000028.3, NM_000643.3, NM_000644.3 and 1 more transcripts); c.3383T>A, p.Ile1128Asn (NM_000646.3); c.3410T>A, p.Ile1137Asn (NM_001425326.1); c.3230T>A, p.Ile1077Asn (NM_001425327.1); c.3227T>A, p.Ile1076Asn (NM_001425328.1); c.3092T>A, p.Ile1031Asn (NM_001425329.1); c.3053T>A, p.Ile1018Asn (NM_001425332.1); short protein forms I1144N, I1128N, I1018N, I1031N, I1076N, I1077N, I1137N.
Identifiers: ClinVar variation 291342 (VCV000291342.29), dbSNP rs2230308, ClinGen allele CA967079.
Genomic context (GRCh38, chr1:99,900,704, plus strand): 5'-TTTTAGCATTTGCGGGTACCCTGAGGCATGGTCTCATTCCTAATCTACTGGGTGAAGGAA[T>A]TTATGCCAGATACAATTGTCGGGATGCTGTGTGGTGGTGGCTGCAGTGTATCCAGGATTA-3'
Protein context (NP_000633.2, residues 1134-1154): GLIPNLLGEG[Ile1144Asn]YARYNCRDAV

ClinVar aggregate classification (germline): Conflicting classifications of pathogenicity. Review status: criteria provided, conflicting classifications (1 of 4 stars). 9 submissions from 9 submitters: Uncertain significance (2); Benign (1); Likely benign (4). 2 of the submissions do not count toward it. Last evaluated 2026-02-03.

Conditions:
Inborn genetic diseases. Identifiers: MedGen C0950123, MeSH D030342.
Glycogen storage disease type III (GSD3). Also called: FORBES DISEASE; Cori disease. Identifiers: Orphanet 366, MedGen C0017922, MONDO:0009291, OMIM 232400.
AGL-related disorder. Also called: AGL-related condition.

Allele frequency attached by ClinVar (database versions not stated): gnomAD exomes 0.00143 and 0.00155; ExAC 0.00174; 1000 Genomes Project 30x 0.00031; 1000 Genomes Project 0.00040; TOPMed 0.00088; gnomAD 0.00109 and 0.00113; ESP Exome Variant Server 0.00138.
gnomAD v4.1: 2,412 of 1,614,098 alleles (0.15%); highest among the groups gnomAD compares: Non-Finnish European, 0.18%; 3 homozygotes.

Submissions (9):

Labcorp Genetics (formerly Invitae), Labcorp
Classification: Benign for Glycogen storage disease type III. Last evaluated: 2026-02-03. Review status: criteria provided, single submitter. Criteria: Invitae Variant Classification Sherloc (09022015). Collection method: clinical testing. Allele origin: germline.

GeneDx
Classification: Uncertain significance. Last evaluated: 2025-10-21. Review status: criteria provided, single submitter. Criteria: GeneDx Variant Classification Process June 2021. Collection method: clinical testing. Allele origin: germline.
Comment: In silico analysis suggests that this missense variant does not alter protein structure/function; Has not been previously published as pathogenic or benign to our knowledge

Mayo Clinic Laboratories, Mayo Clinic
Classification: Likely benign. Last evaluated: 2025-08-19. Review status: criteria provided, single submitter. Criteria: ACMG Guidelines, 2015. Collection method: clinical testing. Allele origin: germline. Observed: 8 variant alleles.
Comment: BS1, BP4_moderate

Blueprint Genetics
Classification: Likely benign. Last evaluated: 2024-11-07. Review status: criteria provided, single submitter. Criteria: ACMG Guidelines, 2015. Collection method: clinical testing. Allele origin: germline.

Genome-Nilou Lab
Classification: Likely benign for Glycogen storage disease type III. Last evaluated: 2021-07-15. Review status: criteria provided, single submitter. Criteria: ACMG Guidelines, 2015. Collection method: clinical testing. Allele origin: germline. Affected: no.

Ambry Genetics
Classification: Likely benign for Inborn genetic diseases. Last evaluated: 2021-06-21. Review status: criteria provided, single submitter. Criteria: Ambry Variant Classification Scheme 2023. Collection method: clinical testing. Allele origin: germline.

Illumina Laboratory Services, Illumina
Classification: Uncertain significance for Glycogen storage disease type III. Last evaluated: 2018-01-12. Review status: criteria provided, single submitter. Criteria: ICSL Variant Classification Criteria 13 December 2019. Collection method: clinical testing. Allele origin: germline.

PreventionGenetics, part of Exact Sciences
Classification: Likely benign for AGL-related condition. Last evaluated: 2022-07-12. Review status: no assertion criteria provided. Collection method: clinical testing. Allele origin: germline. Not counted in ClinVar's aggregate classification.
Comment: This variant is classified as likely benign based on ACMG/AMP sequence variant interpretation guidelines (Richards et al. 2015 PMID: 25741868, with internal and published modifications).

Natera, Inc.
Classification: Likely benign for Glycogen storage disease type III. Last evaluated: 2020-06-05. Review status: no assertion criteria provided. Collection method: clinical testing. Allele origin: germline. Not counted in ClinVar's aggregate classification.